The following is an entry in ClinVar:

ClinVar aggregate classification (germline): Likely pathogenic (1 of 4 stars; one submission).

Conditions:
Progressive sclerosing poliodystrophy (MTDPS4A). Also called: Mitochondrial DNA depletion syndrome 4A (Alpers type); ALPERS PROGRESSIVE INFANTILE POLIODYSTROPHY; NEURONAL DEGENERATION OF CHILDHOOD WITH LIVER DISEASE, PROGRESSIVE; Alpers Syndrome; ALPERS DIFFUSE DEGENERATION OF CEREBRAL GRAY MATTER WITH HEPATIC CIRRHOSIS; Alpers-Huttenlocher Syndrome. Identifiers: Orphanet 726, MedGen C0205710, MONDO:0008758, OMIM 203700.

Submission:

Labcorp Genetics (formerly Invitae), Labcorp
Classification: Likely pathogenic for Progressive sclerosing poliodystrophy. Last evaluated: 2025-11-01. Review status: criteria provided, single submitter. Criteria: Invitae Variant Classification Sherloc (09022015). Collection method: clinical testing. Allele origin: germline.
Comment: This sequence change replaces glycine, which is neutral and non-polar, with tryptophan, which is neutral and slightly polar, at codon 1051 of the POLG protein (p.Gly1051Trp). Information on the frequency of this variant in the gnomAD database is not available, as this variant may be reported differently in the database. A different variant (c.3151G>T) giving rise to the same protein effect has been determined to be pathogenic (internal data). This suggests that this variant is also likely to be causative of disease. Experimental studies and prediction algorithms are not available or were not evaluated, and the functional significance of this variant is currently unknown. In summary, the currently available evidence indicates that the variant is pathogenic, but additional data are needed to prove that conclusively. Therefore, this variant has been classified as Likely Pathogenic.

NM_002693.3(POLG):c.3150_3151delinsAT (p.Gly1051Trp)

Gene: POLG (DNA polymerase gamma, catalytic subunit; minus strand). Cytogenetic location: 15q26.1.
Variant type: Indel.
Coding change: c.3150_3151delinsAT on transcript NM_002693.3 (MANE Select); coding-DNA positions 3150 to 3151, GG replaced by AT.
Protein change: p.Gly1051Trp; replaces glycine 1051 with tryptophan.
Molecular consequence: missense variant.
Genome position (GRCh38, 1-based): chr15:89,319,053-89,319,054, CC replaced by AT on the plus strand (GG replaced by AT on the coding strand, the reverse complement: POLG is on the minus strand). VCF-style: chr15-89319053-CC-AT. GRCh37 (hg19) VCF-style: chr15-89862284-CC-AT.
Other names: c.3150_3151delinsAT, p.Gly1051Trp (NM_001126131.2); short protein forms G1051W.
Identifiers: ClinVar variation 4729870 (VCV004729870.1).
Genomic context (GRCh38, chr15:89,319,053, plus strand): 5'-GTGGTATGTCAGACGTAGCAATGCTCTCAAGCTTATTGAACATTTCTGACTCTGTGCCCC[CC>AT]TTCCATGCCCGTTCAGCAACCACCTCCCACTTCTTCCACTGTGACCTAAGGGACCAGAAA-3'
Protein context (NP_002684.1, residues 1041-1061): WEVVAERAWK[Gly1051Trp]GTESEMFNKL